The following is an entry in ClinVar:

NM_001365276.2(TNXB):c.788G>A (p.Arg263His)

Gene: TNXB (tenascin XB; minus strand). Cytogenetic location: 6p21.33.
Variant type: single nucleotide variant.
Coding change: c.788G>A on transcript NM_001365276.2 (MANE Select); coding-DNA position 788, G replaced by A.
Protein change: p.Arg263His; replaces arginine 263 with histidine.
Molecular consequence: missense variant.
Genome position (GRCh38, 1-based): chr6:32,097,065, C>T on the plus strand (G>A on the coding strand, the complement: TNXB is on the minus strand). VCF-style: chr6-32097065-C-T. GRCh37 (hg19) VCF-style: chr6-32064842-C-T.
Other names: c.788G>A, p.Arg263His (NM_019105.8); short protein forms R263H.
Identifiers: ClinVar variation 1032820 (VCV001032820.10), dbSNP rs371229076, ClinGen allele CA3735782.

ClinVar aggregate classification (germline): Conflicting classifications of pathogenicity. Review status: criteria provided, conflicting classifications (1 of 4 stars). 4 submissions from 4 submitters: Uncertain significance (3); Likely benign (1). Last evaluated 2026-05-22.

Conditions:
Ehlers-Danlos syndrome due to tenascin-X deficiency (EDSCLL1). Also called: TNX DEFICIENCY; TNXB-Related Classical-Like Ehlers-Danlos Syndrome; EHLERS-DANLOS SYNDROME, CLASSIC-LIKE; Ehlers-Danlos syndrome, classic-like, 1; EDS DUE TO TNX DEFICIENCY. Identifiers: Orphanet 230839, MedGen C1848029, MONDO:0011670, OMIM 606408.
Cardiovascular phenotype. Identifiers: MedGen CN230736.

Allele frequency attached by ClinVar (database versions not stated): TOPMed 0.00003; gnomAD 0.00004 and 0.00003; ESP Exome Variant Server 0.00015.

Submissions (4):

Women's Health and Genetics/Laboratory Corporation of America, LabCorp
Classification: Uncertain significance. Last evaluated: 2026-05-22. Review status: criteria provided, single submitter. Criteria: LabCorp Variant Classification Summary - May 2015. Collection method: clinical testing. Allele origin: germline.
Comment: Variant summary: TNXB c.788G>A (p.Arg263His) results in a non-conservative amino acid change in the encoded protein sequence. Algorithms developed to predict the effect of missense changes on protein structure and function are either unavailable or do not agree on the potential impact of this missense change. The variant allele was found at a frequency of 4.8e-05 in 248652 control chromosomes. This frequency is not significantly higher than estimated for disease-causing variants in TNXB, allowing no conclusion about variant significance. To our knowledge, no occurrence of c.788G>A in individuals affected with TNXB-related conditions and no experimental evidence demonstrating its impact on protein function have been reported. ClinVar contains an entry for this variant (Variation ID: 1032820). Based on the evidence outlined above, the variant was classified as uncertain significance.

Ambry Genetics
Classification: Likely benign for Cardiovascular phenotype. Last evaluated: 2025-04-14. Review status: criteria provided, single submitter. Criteria: Ambry Variant Classification Scheme 2023. Collection method: clinical testing. Allele origin: germline.

GeneDx
Classification: Uncertain significance. Last evaluated: 2024-01-08. Review status: criteria provided, single submitter. Criteria: GeneDx Variant Classification Process June 2021. Collection method: clinical testing. Allele origin: germline. Affected: yes.
Comment: Has not been previously published as pathogenic or benign to our knowledge; In silico analysis supports that this missense variant has a deleterious effect on protein structure/function

Baylor Genetics
Classification: Uncertain significance for Ehlers-Danlos syndrome due to tenascin-X deficiency. Last evaluated: 2018-12-24. Review status: criteria provided, single submitter. Criteria: ACMG Guidelines, 2015. Collection method: clinical testing. Allele origin: maternal. Affected: yes.
Comment: This variant was determined to be of uncertain significance according to ACMG Guidelines, 2015 [PMID:25741868].